The following is an entry in ClinVar:

NM_001040108.2(MLH3):c.2476A>G (p.Asn826Asp)

Gene: MLH3 (mutL homolog 3; minus strand). Cytogenetic location: 14q24.3.
Variant type: single nucleotide variant.
Coding change: c.2476A>G on transcript NM_001040108.2 (MANE Select); coding-DNA position 2476, A replaced by G.
Protein change: p.Asn826Asp; replaces asparagine 826 with aspartic acid.
Molecular consequence: missense variant.
Genome position (GRCh38, 1-based): chr14:75,047,180, T>C on the plus strand (A>G on the coding strand, the complement: MLH3 is on the minus strand). VCF-style: chr14-75047180-T-C. GRCh37 (hg19) VCF-style: chr14-75513883-T-C.
Other names: c.2476A>G, p.Asn826Asp (NM_014381.3); short protein forms N826D.
Identifiers: ClinVar variation 257251 (VCV000257251.27), dbSNP rs175081, ClinGen allele CA7275698.

ClinVar aggregate classification (germline): Benign/Likely benign. Review status: criteria provided, multiple submitters, no conflicts (2 of 4 stars). 13 submissions from 12 submitters: Benign (9); Likely benign (1). 3 of the submissions do not count toward it. Last evaluated 2026-05-05.

Conditions:
Endometrial carcinoma. Also called: Endometrial carcinoma, somatic. Identifiers: MedGen C0476089, MONDO:0002447, OMIM 608089, HP:0012114.
Colorectal cancer, hereditary nonpolyposis, type 7. Identifiers: Orphanet 144, MedGen C1858380, MONDO:0013725, OMIM 614385.

Allele frequency attached by ClinVar (database versions not stated): TOPMed 0.98699; gnomAD 0.98791 and 0.98893; ESP Exome Variant Server 0.98877; 1000 Genomes Project 30x 0.98985; 1000 Genomes Project 0.99042; ExAC 0.99680; gnomAD exomes 0.99728 and 0.99897.
gnomAD v4.1: 1,610,904 of 1,614,180 alleles (100%); highest among the groups gnomAD compares: East Asian, 100%; 803,856 homozygotes.

Submissions (13):

Myriad Genetics, Inc.
Classification: Benign for Colorectal cancer, hereditary nonpolyposis, type 7. Last evaluated: 2026-05-05. Review status: criteria provided, single submitter. Criteria: Myriad Autosomal Dominant, Autosomal Recessive and X-Linked Classification Criteria (2023). Collection method: clinical testing. Allele origin: unknown.
Comment: This variant is considered benign. This variant has been observed at a population frequency that is significantly greater than expected given the associated disease prevalence and penetrance.

Labcorp Genetics (formerly Invitae), Labcorp
Classification: Benign for Colorectal cancer, hereditary nonpolyposis, type 7. Last evaluated: 2026-02-04. Review status: criteria provided, single submitter. Criteria: Invitae Variant Classification Sherloc (09022015). Collection method: clinical testing. Allele origin: germline.

KCCC/NGS Laboratory, Kuwait Cancer Control Center
Classification: Benign for Endometrial carcinoma. Last evaluated: 2025-02-01. Review status: criteria provided, single submitter. Criteria: ACMG Guidelines, 2015. Collection method: clinical testing. Allele origin: germline. Affected: no.

Blueprint Genetics
Classification: Likely benign. Last evaluated: 2024-11-27. Review status: criteria provided, single submitter. Criteria: ACMG Guidelines, 2015. Collection method: clinical testing. Allele origin: germline.

KCCC/NGS Laboratory, Kuwait Cancer Control Center
Classification: Benign for Colorectal cancer, hereditary nonpolyposis, type 7. Last evaluated: 2023-07-07. Review status: criteria provided, single submitter. Criteria: ACMG Guidelines, 2015. Collection method: clinical testing. Allele origin: germline. Affected: yes.

Ambry Genetics
Classification: Benign. Last evaluated: 2020-07-28. Review status: criteria provided, single submitter. Criteria: Ambry Variant Classification Scheme 2023. Collection method: clinical testing. Allele origin: germline.

GeneDx
Classification: Benign. Last evaluated: 2018-06-22. Review status: criteria provided, single submitter. Criteria: GeneDx Variant Classification Process June 2021. Collection method: clinical testing. Allele origin: germline. Affected: yes.

Illumina Laboratory Services, Illumina
Classification: Benign for Colorectal cancer, hereditary nonpolyposis, type 7. Last evaluated: 2018-01-12. Review status: criteria provided, single submitter. Criteria: ICSL Variant Classification Criteria 13 December 2019. Collection method: clinical testing. Allele origin: germline.
Comment: This variant was observed in the ICSL laboratory as part of a predisposition screen in an ostensibly healthy population. It had not been previously curated by ICSL or reported in the Human Gene Mutation Database (HGMD: prior to June 1st, 2018), and was therefore a candidate for classification through an automated scoring system. Utilizing variant allele frequency, disease prevalence and penetrance estimates, and inheritance mode, an automated score was calculated to assess if this variant is too frequent to cause the disease. Based on the score and internal cut-off values, a variant classified as benign is not then subjected to further curation. The score for this variant resulted in a classification of benign for this disease.

Breakthrough Genomics
Classification: Benign. Review status: criteria provided, single submitter. Criteria: ACMG Guidelines, 2015. Collection method: not provided. Allele origin: germline. Inheritance: Autosomal dominant inheritance. Affected: yes.

PreventionGenetics, part of Exact Sciences
Classification: Benign. Review status: criteria provided, single submitter. Criteria: ACMG Guidelines, 2015. Collection method: clinical testing. Allele origin: germline.

Clinical Genetics, Academic Medical Center
Classification: Benign. Review status: no assertion criteria provided. Collection method: clinical testing. Allele origin: germline. Affected: yes. Study: VKGL Data-share Consensus. Not counted in ClinVar's aggregate classification.

Diagnostic Laboratory, Department of Genetics, University Medical Center Groningen
Classification: Benign. Review status: no assertion criteria provided. Collection method: clinical testing. Allele origin: germline. Affected: yes. Study: VKGL Data-share Consensus. Not counted in ClinVar's aggregate classification.

Mayo Clinic Laboratories, Mayo Clinic
Classification: Benign. Review status: no assertion criteria provided. Collection method: clinical testing. Allele origin: unknown. Not counted in ClinVar's aggregate classification.